The following is an entry in ClinVar:

NM_138576.4(BCL11B):c.1080C>T (p.Ala360=)

Gene: BCL11B (BCL11 transcription factor B; minus strand). Cytogenetic location: 14q32.2.
Variant type: single nucleotide variant.
Coding change: c.1080C>T on transcript NM_138576.4 (MANE Select); coding-DNA position 1080, C replaced by T.
Protein change: p.Ala360=; no amino-acid change (alanine 360 retained).
Molecular consequence: synonymous variant.
Genome position (GRCh38, 1-based): chr14:99,175,756, G>A on the plus strand (C>T on the coding strand, the complement: BCL11B is on the minus strand). VCF-style: chr14-99175756-G-A. GRCh37 (hg19) VCF-style: chr14-99642093-G-A.
Other names: c.1077C>T, p.Ala359= (NM_001282237.2); c.864C>T, p.Ala288= (NM_001282238.2); c.867C>T, p.Ala289= (NM_022898.3).
Identifiers: ClinVar variation 3352855 (VCV003352855.1).

ClinVar aggregate classification (germline): Likely benign (0 of 4 stars; one submission).

Conditions:
BCL11B-related disorder. Also called: BCL11B-Related Disorders.

gnomAD v4.1: 2 of 1,467,676 alleles (0.00014%); no homozygotes.

Submission:

PreventionGenetics, part of Exact Sciences
Classification: Likely benign for BCL11B-related condition. Last evaluated: 2019-02-26. Review status: no assertion criteria provided. Collection method: clinical testing. Allele origin: germline.
Comment: This variant is classified as likely benign based on ACMG/AMP sequence variant interpretation guidelines (Richards et al. 2015 PMID: 25741868, with internal and published modifications).